The following is an entry in ClinVar:

ClinVar aggregate classification (germline): Likely benign (1 of 4 stars; one submission).

Conditions:
Melanoma-pancreatic cancer syndrome. Identifiers: Orphanet 404560, MedGen C1838547, MONDO:0011713, OMIM 606719. Disease mechanism: loss of function.

Submission:

Myriad Genetics, Inc.
Classification: Likely benign for Melanoma-pancreatic cancer syndrome. Last evaluated: 2025-08-12. Review status: criteria provided, single submitter. Criteria: Myriad Autosomal Dominant, Autosomal Recessive and X-Linked Classification Criteria (2023). Collection method: clinical testing. Allele origin: unknown.
Comment: This variant is considered likely benign. This variant is intronic and is not expected to impact mRNA splicing.

NM_058195.4(CDKN2A):c.193+10G>T

Gene: CDKN2A (cyclin dependent kinase inhibitor 2A; minus strand). Cytogenetic location: 9p21.3.
Variant type: single nucleotide variant.
Coding change: c.193+10G>T on transcript NM_058195.4 (MANE Plus Clinical); 10 bases into the intron after coding-DNA position 193, G replaced by T.
Molecular consequence: intron variant.
Genome position (GRCh38, 1-based): chr9:21,994,129, C>A on the plus strand (G>T on the coding strand, the complement: CDKN2A is on the minus strand). VCF-style: chr9-21994129-C-A. GRCh37 (hg19) VCF-style: chr9-21994128-C-A.
Other names: c.-4+692G>T (NM_001363763.2).
Identifiers: ClinVar variation 4294187 (VCV004294187.1).
Genomic context (GRCh38, chr9:21,994,129, plus strand): 5'-CTGTTTACGAAATCACACCAAACAAAACAAGTGCCGAATGCGCCCCGGACTTTTCGAGGG[C>A]CTTTCCTACCTGGTCTTCTAGGAAGCGGCTGCTGCCCTAGACGCTGGCTCCTCAGTAGCA-3'